The following is an entry in ClinVar:

NM_000751.3(CHRND):c.88del (p.Arg30fs)

Gene: CHRND (cholinergic receptor nicotinic delta subunit; plus strand). Cytogenetic location: 2q37.1.
Variant type: Deletion.
Coding change: c.88del on transcript NM_000751.3 (MANE Select); coding-DNA position 88, one base deleted (C; older notation c.88delC).
Protein change: p.Arg30fs; shifts the reading frame from arginine 30.
Molecular consequence: frameshift variant. On other transcripts: 5 prime UTR variant (2).
Genome position (GRCh38, 1-based): chr2:232,526,564, C deleted; the last of 2 consecutive C bases (chr2:232,526,563-232,526,564); deleting either gives the same sequence. VCF-style (leftmost placement, unchanged base first): chr2-232526562-TC-T. GRCh37 (hg19) VCF-style: chr2-233391272-TC-T.
Other names: c.88del, p.Arg30fs (NM_001256657.2); c.-184del (NM_001311195.2, NM_001311196.2); short protein forms R30fs.
Identifiers: ClinVar variation 1075530 (VCV001075530.2), dbSNP rs1266948051, ClinGen allele CA766130998.

ClinVar aggregate classification (germline): Pathogenic (1 of 4 stars; one submission).

Conditions:
Lethal multiple pterygium syndrome (LMPS). Identifiers: Orphanet 33108, MedGen C1854678, MONDO:0009668, OMIM 253290.

Submission:

Labcorp Genetics (formerly Invitae), Labcorp
Classification: Pathogenic for Lethal multiple pterygium syndrome. Last evaluated: 2020-04-24. Review status: criteria provided, single submitter. Criteria: Invitae Variant Classification Sherloc (09022015). Collection method: clinical testing. Allele origin: germline.
Comment: This sequence change creates a premature translational stop signal (p.Arg30Glyfs*37) in the CHRND gene. It is expected to result in an absent or disrupted protein product. This variant is not present in population databases (ExAC no frequency). This variant has not been reported in the literature in individuals with CHRND-related conditions. Loss-of-function variants in CHRND are known to be pathogenic (PMID: 11435464, 25264167). For these reasons, this variant has been classified as Pathogenic.

Literature cited by the submitters: PubMed 11435464; PubMed 25264167.